The following is an entry in ClinVar:

NM_153460.4(IL17RC):c.1060A>G (p.Lys354Glu)

Gene: IL17RC (interleukin 17 receptor C; plus strand). Cytogenetic location: 3p25.3.
Variant type: single nucleotide variant.
Coding change: c.1060A>G on transcript NM_153460.4 (MANE Select); coding-DNA position 1060, A replaced by G.
Protein change: p.Lys354Glu; replaces lysine 354 with glutamic acid.
Molecular consequence: missense variant. On other transcripts: non-coding transcript variant (1), intron variant (3).
Genome position (GRCh38, 1-based): chr3:9,928,580, A>G. VCF-style: chr3-9928580-A-G. GRCh37 (hg19) VCF-style: chr3-9970264-A-G.
Other names: c.1060A>G, p.Lys354Glu (NM_001203263.2); c.1021A>G, p.Lys341Glu (NM_001367278.1); c.940A>G, p.Lys314Glu (NM_001367279.1); c.1015A>G, p.Lys339Glu (NM_001367280.1, NM_032732.6); c.1273A>G, p.Lys425Glu (NM_153461.4); c.1059+94A>G (NM_001203264.2); c.1014+94A>G (NM_001203265.2, NM_001410711.1); short protein forms K339E, K341E, K425E, K314E, K354E.
Identifiers: ClinVar variation 2819704 (VCV002819704.3), dbSNP rs563544955, ClinGen allele CA2247129.

ClinVar aggregate classification (germline): Uncertain significance (1 of 4 stars; one submission).

Conditions:
Candidiasis, familial, 9 (CANDF9). Identifiers: Orphanet 1334, MedGen C4225324, MONDO:0014642, OMIM 616445.

Allele frequency attached by ClinVar (database versions not stated): gnomAD exomes below 0.00001; ExAC 0.00001; gnomAD 0.00001; TOPMed 0.00002; 1000 Genomes Project 0.00020; 1000 Genomes Project 30x 0.00031.
gnomAD v4.1: 6 of 1,613,772 alleles (0.00037%); highest among the groups gnomAD compares: African/African-American, 0.008%; 1 homozygote.

Submission:

Labcorp Genetics (formerly Invitae), Labcorp
Classification: Uncertain significance for Candidiasis, familial, 9. Last evaluated: 2023-07-25. Review status: criteria provided, single submitter. Criteria: Invitae Variant Classification Sherloc (09022015). Collection method: clinical testing. Allele origin: germline.
Comment: This variant is present in population databases (rs563544955, gnomAD 0.01%). In summary, the available evidence is currently insufficient to determine the role of this variant in disease. Therefore, it has been classified as a Variant of Uncertain Significance. Algorithms developed to predict the effect of sequence changes on RNA splicing suggest that this variant may create or strengthen a splice site. Algorithms developed to predict the effect of missense changes on protein structure and function output the following: SIFT: "Not Available"; PolyPhen-2: "Benign"; Align-GVGD: "Not Available". The glutamic acid amino acid residue is found in multiple mammalian species, which suggests that this missense change does not adversely affect protein function. This variant has not been reported in the literature in individuals affected with IL17RC-related conditions. This sequence change replaces lysine, which is basic and polar, with glutamic acid, which is acidic and polar, at codon 425 of the IL17RC protein (p.Lys425Glu).